The following is an entry in ClinVar:

NM_006231.4(POLE):c.5378+2T>G

Gene: POLE (DNA polymerase epsilon, catalytic subunit; minus strand). Cytogenetic location: 12q24.33.
Variant type: single nucleotide variant.
Coding change: c.5378+2T>G on transcript NM_006231.4 (MANE Select); the canonical splice donor site of the intron after coding-DNA position 5378, T replaced by G.
Molecular consequence: splice donor variant.
Genome position (GRCh38, 1-based): chr12:132,641,645, A>C on the plus strand (T>G on the coding strand, the complement: POLE is on the minus strand). VCF-style: chr12-132641645-A-C. GRCh37 (hg19) VCF-style: chr12-133218231-A-C.
Identifiers: ClinVar variation 5027046 (VCV005027046.1).

ClinVar aggregate classification (germline): Uncertain significance (1 of 4 stars; one submission).

Conditions:
Hereditary cancer-predisposing syndrome. Also called: Neoplastic Syndromes, Hereditary; Tumor predisposition; Hereditary neoplastic syndrome; Hereditary Cancer Syndrome. Identifiers: Orphanet 140162, MedGen C0027672, MeSH D009386, MONDO:0015356.

Submission:

Ambry Genetics
Classification: Uncertain significance for Hereditary cancer-predisposing syndrome. Last evaluated: 2026-06-29. Review status: criteria provided, single submitter. Criteria: Ambry Variant Classification Scheme 2023. Collection method: clinical testing. Allele origin: germline.
Comment: The c.5378+2T>G intronic variant results from a T to G substitution two nucleotides after coding exon 39 in the POLE gene. This nucleotide position is highly conserved in available vertebrate species. In silico splice site analysis predicts that this alteration will weaken the native splice donor site; however, direct evidence is insufficient at this time (Ambry internal data). Although biallelic loss of function of POLE has been associated with autosomal recessive POLE deficiency, haploinsufficiency of POLE has not been established as a mechanism of disease for POLE-related polymerase proofreading-associated polyposis (PPAP) and POLE-related CMMRD-like syndrome. Based on the supporting evidence, this variant is expected to be causative of POLE deficiency when present along with a second pathogenic variant on the other allele; however, its clinical significance for PPAP and POLE-related CMMRD-like syndrome is unclear.